The following is an entry in ClinVar:

ClinVar aggregate classification (germline): Pathogenic (1 of 4 stars; one submission).

Submission:

CeGaT Center for Human Genetics Tuebingen
Classification: Pathogenic. Last evaluated: 2026-03-01. Review status: criteria provided, single submitter. Criteria: CeGaT Center For Human Genetics Tuebingen Variant Classification Criteria Version 2. Collection method: clinical testing. Allele origin: germline. Affected: yes. Observed: 2 variant alleles.
Comment: BRCA1: PVS1, PM2

NM_007294.4(BRCA1):c.4978del (p.Glu1660fs)

Gene: BRCA1 (BRCA1 DNA repair associated; minus strand). Cytogenetic location: 17q21.31.
Variant type: Deletion.
Coding change: c.4978del on transcript NM_007294.4 (MANE Select); coding-DNA position 4978, one base deleted (G; older notation c.4978delG).
Protein change: p.Glu1660fs; shifts the reading frame from glutamic acid 1660.
Molecular consequence: frameshift variant. On other transcripts: intron variant (1).
Genome position (GRCh38, 1-based): chr17:43,070,936, C deleted on the plus strand (G on the coding strand, the reverse complement: BRCA1 is on the minus strand). VCF-style (leftmost placement, unchanged base first): chr17-43070935-TC-T. GRCh37 (hg19) VCF-style: chr17-41222952-TC-T.
Other names: c.4765del, p.Glu1589fs (NM_001407571.1, NM_001407894.1, NM_001407895.1 and 12 more transcripts); c.5044del, p.Glu1682fs (NM_001407581.1, NM_001407582.1); c.5041del, p.Glu1681fs (NM_001407583.1, NM_001407585.1, NM_001407587.1 and 1 more transcripts); c.5038del, p.Glu1680fs (NM_001407590.1, NM_001407591.1); c.4978del, p.Glu1660fs (NM_001407593.1, NM_001407594.1, NM_001407596.1 and 8 more transcripts); c.4975del, p.Glu1659fs (NM_001407610.1, NM_001407611.1, NM_001407612.1 and 17 more transcripts); c.4972del, p.Glu1658fs (NM_001407627.1, NM_001407628.1, NM_001407629.1 and 14 more transcripts); c.4969del, p.Glu1657fs (NM_001407644.1, NM_001407645.1); and 71 more; short protein forms E1363fs, E1364fs, E1491fs, E1506fs, E1531fs, E1532fs, E1533fs, E1547fs.
Identifiers: ClinVar variation 4682075 (VCV004682075.5).